The following is an entry in ClinVar:

ClinVar aggregate classification (germline): Benign/Likely benign. Review status: criteria provided, multiple submitters, no conflicts (2 of 4 stars). 4 submissions from 3 submitters: Benign (1); Likely benign (3). Last evaluated 2018-12-19.

Conditions:
Sacral defect with anterior meningocele. Identifiers: MedGen C1838568, OMIM 600145.
Neural tube defect (NTD). Also called: Neural tube defects. Identifiers: Orphanet 3388, Orphanet 823, MedGen C0027794, MONDO:0018075, HP:0045005.

Allele frequency attached by ClinVar (database versions not stated): gnomAD 0.00009 and 0.00019; gnomAD exomes 0.00010 and 0.00047; TOPMed 0.00022; ExAC 0.00036; 1000 Genomes Project 30x 0.00219; 1000 Genomes Project 0.00240.

Submissions (4):

Labcorp Genetics (formerly Invitae), Labcorp
Classification: Likely benign. Last evaluated: 2018-12-19. Review status: criteria provided, single submitter. Criteria: Invitae Variant Classification Sherloc (09022015). Collection method: clinical testing. Allele origin: germline.

Illumina Laboratory Services, Illumina
Classification: Benign for Sacral defect with anterior meningocele. Last evaluated: 2018-01-13. Review status: criteria provided, single submitter. Criteria: ICSL Variant Classification Criteria 13 December 2019. Collection method: clinical testing. Allele origin: germline.
Comment: This variant was observed in the ICSL laboratory as part of a predisposition screen in an ostensibly healthy population. It had not been previously curated by ICSL or reported in the Human Gene Mutation Database (HGMD: prior to June 1st, 2018), and was therefore a candidate for classification through an automated scoring system. Utilizing variant allele frequency, disease prevalence and penetrance estimates, and inheritance mode, an automated score was calculated to assess if this variant is too frequent to cause the disease. Based on the score and internal cut-off values, a variant classified as benign is not then subjected to further curation. The score for this variant resulted in a classification of benign for this disease.

Illumina Laboratory Services, Illumina
Classification: Likely benign for Neural tube defects, susceptibility to. Last evaluated: 2018-01-13. Review status: criteria provided, single submitter. Criteria: ICSL Variant Classification Criteria 13 December 2019. Collection method: clinical testing. Allele origin: germline.
Comment: This variant was observed in the ICSL laboratory as part of a predisposition screen in an ostensibly healthy population. It had not been previously curated by ICSL or reported in the Human Gene Mutation Database (HGMD: prior to June 1st, 2018), and was therefore a candidate for classification through an automated scoring system. Utilizing variant allele frequency, disease prevalence and penetrance estimates, and inheritance mode, an automated score was calculated to assess if this variant is too frequent to cause the disease. Based on the score and internal cut-off values, a variant classified as likely benign is not then subjected to further curation. The score for this variant resulted in a classification of likely benign for this disease.

Breakthrough Genomics
Classification: Likely benign. Review status: criteria provided, single submitter. Criteria: ACMG Guidelines, 2015. Collection method: not provided. Allele origin: germline. Inheritance: Autosomal dominant inheritance. Affected: yes.

NM_138959.3(VANGL1):c.1127A>G (p.Gln376Arg)

Gene: VANGL1 (VANGL planar cell polarity protein 1; plus strand). Cytogenetic location: 1p13.1.
Variant type: single nucleotide variant.
Coding change: c.1127A>G on transcript NM_138959.3 (MANE Select); coding-DNA position 1127, A replaced by G.
Protein change: p.Gln376Arg; replaces glutamine 376 with arginine.
Molecular consequence: missense variant.
Genome position (GRCh38, 1-based): chr1:115,685,340, A>G. VCF-style: chr1-115685340-A-G. GRCh37 (hg19) VCF-style: chr1-116227961-A-G.
Other names: c.1121A>G, p.Gln374Arg (NM_001172411.2); c.1127A>G, p.Gln376Arg (NM_001172412.2); short protein forms Q376R, Q374R.
Identifiers: ClinVar variation 773637 (VCV000773637.8), dbSNP rs200389969, ClinGen allele CA1023460.